The following is an entry in ClinVar:

NM_001367624.2(ZNF469):c.11324C>G (p.Pro3775Arg)

Gene: ZNF469 (zinc finger protein 469; plus strand). Cytogenetic location: 16q24.2.
Variant type: single nucleotide variant.
Coding change: c.11324C>G on transcript NM_001367624.2 (MANE Select); coding-DNA position 11324, C replaced by G.
Protein change: p.Pro3775Arg; replaces proline 3775 with arginine.
Molecular consequence: missense variant.
Genome position (GRCh38, 1-based): chr16:88,438,794, C>G. VCF-style: chr16-88438794-C-G. GRCh37 (hg19) VCF-style: chr16-88505202-C-G.
Other names: NM_001127464.1:c.11240C>G; short protein forms P3775R.
Identifiers: ClinVar variation 3987310 (VCV003987310.1).

ClinVar aggregate classification (germline): Uncertain significance (1 of 4 stars; one submission).

Conditions:
Cardiovascular phenotype. Identifiers: MedGen CN230736.

Submission:

Ambry Genetics
Classification: Uncertain significance for Cardiovascular phenotype. Last evaluated: 2025-03-31. Review status: criteria provided, single submitter. Criteria: Ambry Variant Classification Scheme 2023. Collection method: clinical testing. Allele origin: germline.
Comment: The p.P3747R variant (also known as c.11240C>G), located in coding exon 2 of the ZNF469 gene, results from a C to G substitution at nucleotide position 11240. The proline at codon 3747 is replaced by arginine, an amino acid with dissimilar properties. This amino acid position is conserved. In addition, this alteration is predicted to be tolerated by in silico analysis. Based on the available evidence, the clinical significance of this variant remains unclear.